The following is an entry in ClinVar:

ClinVar aggregate classification (germline): Uncertain significance (1 of 4 stars; one submission).

Submission:

Medical Genetic Center, Changzhi Maternal and Child Health Care Hospital
Classification: Uncertain significance. Last evaluated: 2025-12-10. Review status: criteria provided, single submitter. Criteria: ACMG/ClinGen CNV Guidelines, 2019. Collection method: clinical testing. Allele origin: unknown.
Comment: 16p13.11 recurrent region (BP2-BP3) (includes MYH11) (TS=2)

GRCh38/hg38 16p13.11-12.3(chr16:15238634-18148856)x3

Genes: ABCC1 (ATP binding cassette subfamily C member 1 (ABCC1 blood group); plus strand), ABCC6 (ATP binding cassette subfamily C member 6; minus strand), BMERB1 (bMERB domain containing 1; plus strand), CEP20 (centrosomal protein 20; minus strand), MARF1 (meiosis regulator and mRNA stability factor 1; minus strand) and 63 more. Cytogenetic location: 16p13.11-12.3.
Variant type: copy number gain.
Change: copy number 3 (three copies instead of two) of chr16:15,238,634-18,148,856 (2.91 Mb, GRCh38 coordinates, 1-based), cytogenetic band 16p13.11-12.3.
Identifiers: ClinVar variation 4796102 (VCV004796102.1).